The following is an entry in ClinVar:

ClinVar aggregate classification (germline): Uncertain significance (1 of 4 stars; one submission).

Conditions:
MEGF8-related Carpenter syndrome. Also called: Carpenter syndrome 2. Identifiers: Orphanet 65759, MedGen C3554247, MONDO:0013998, OMIM 614976.

Allele frequency attached by ClinVar (database versions not stated): gnomAD 0.00001; gnomAD exomes 0.00001 and 0.00002; TOPMed 0.00001.
gnomAD v4.1: 21 of 1,548,638 alleles (0.0014%); highest among the groups gnomAD compares: African/African-American, 0.016%; no homozygotes.

Submission:

Labcorp Genetics (formerly Invitae), Labcorp
Classification: Uncertain significance for MEGF8-related Carpenter syndrome. Last evaluated: 2024-03-04. Review status: criteria provided, single submitter. Criteria: Invitae Variant Classification Sherloc (09022015). Collection method: clinical testing. Allele origin: germline.
Comment: This sequence change replaces arginine, which is basic and polar, with tryptophan, which is neutral and slightly polar, at codon 1107 of the MEGF8 protein (p.Arg1107Trp). This variant is present in population databases (no rsID available, gnomAD 0.009%). This variant has not been reported in the literature in individuals affected with MEGF8-related conditions. ClinVar contains an entry for this variant (Variation ID: 1517520). An algorithm developed to predict the effect of missense changes on protein structure and function (PolyPhen-2) suggests that this variant is likely to be disruptive. In summary, the available evidence is currently insufficient to determine the role of this variant in disease. Therefore, it has been classified as a Variant of Uncertain Significance.

NM_001271938.2(MEGF8):c.3520C>T (p.Arg1174Trp)

Gene: MEGF8 (multiple EGF like domains 8; plus strand). Cytogenetic location: 19q13.2.
Variant type: single nucleotide variant.
Coding change: c.3520C>T on transcript NM_001271938.2 (MANE Select); coding-DNA position 3520, C replaced by T.
Protein change: p.Arg1174Trp; replaces arginine 1174 with tryptophan.
Molecular consequence: missense variant.
Genome position (GRCh38, 1-based): chr19:42,353,097, C>T. VCF-style: chr19-42353097-C-T. GRCh37 (hg19) VCF-style: chr19-42857249-C-T.
Other names: c.3319C>T, p.Arg1107Trp (NM_001410.3); short protein forms R1107W, R1174W.
Identifiers: ClinVar variation 1517520 (VCV001517520.8), dbSNP rs892173452, ClinGen allele CA308637150.